The following is an entry in ClinVar:

NM_031420.4(MRPL9):c.589-10_589-5dup

Gene: MRPL9 (mitochondrial ribosomal protein L9; minus strand). Cytogenetic location: 1q21.3.
Variant type: Duplication.
Coding change: c.589-10_589-5dup on transcript NM_031420.4 (MANE Select); 10 bases into the intron before coding-DNA position 589 through 5 bases into the intron before coding-DNA position 589, 6 bases duplicated (TTTTTT; older notation c.589-10_589-5dupTTTTTT).
Molecular consequence: intron variant.
Genome position (GRCh38, 1-based): chr1:151,760,904-151,760,909, AAAAAA duplicated on the plus strand (TTTTTT on the coding strand, the reverse complement: MRPL9 is on the minus strand); duplicating any 6 consecutive bases within chr1:151,760,904-151,760,926 gives the same sequence; the c. name uses the placement nearest the transcript's 3' end. VCF-style (leftmost placement, unchanged base first): chr1-151760903-C-CAAAAAA. GRCh37 (hg19) VCF-style: chr1-151733379-C-CAAAAAA.
Other names: c.487-10_487-5dup (NM_001300733.2).
Identifiers: ClinVar variation 3388833 (VCV003388833.14).

ClinVar aggregate classification (germline): Likely benign (1 of 4 stars; one submission).

Submission:

CeGaT Center for Human Genetics Tuebingen
Classification: Likely benign. Last evaluated: 2024-09-01. Review status: criteria provided, single submitter. Criteria: CeGaT Center For Human Genetics Tuebingen Variant Classification Criteria Version 2. Collection method: clinical testing. Allele origin: germline. Affected: yes. Observed: 1 variant allele.
Comment: MRPL9: BP4, BS2